The following is an entry in ClinVar:

ClinVar aggregate classification (germline): Uncertain significance (1 of 4 stars; one submission).

Conditions:
Spastic paraplegia. Identifiers: MedGen C0037772, HP:0001258.

Allele frequency attached by ClinVar (database versions not stated): gnomAD exomes below 0.00001.
gnomAD v4.1: 3 of 1,613,878 alleles (0.00019%); highest among the groups gnomAD compares: South Asian, 0.0011%; no homozygotes.

Submission:

Labcorp Genetics (formerly Invitae), Labcorp
Classification: Uncertain significance for Spastic paraplegia. Last evaluated: 2022-06-23. Review status: criteria provided, single submitter. Criteria: Invitae Variant Classification Sherloc (09022015). Collection method: clinical testing. Allele origin: germline.
Comment: This sequence change replaces phenylalanine, which is neutral and non-polar, with leucine, which is neutral and non-polar, at codon 3839 of the SACS protein (p.Phe3839Leu). This variant is not present in population databases (gnomAD no frequency). This variant has not been reported in the literature in individuals affected with SACS-related conditions. Advanced modeling of protein sequence and biophysical properties (such as structural, functional, and spatial information, amino acid conservation, physicochemical variation, residue mobility, and thermodynamic stability) performed at Invitae indicates that this missense variant is not expected to disrupt SACS protein function. In summary, the available evidence is currently insufficient to determine the role of this variant in disease. Therefore, it has been classified as a Variant of Uncertain Significance.

NM_014363.6(SACS):c.11517C>G (p.Phe3839Leu)

Gene: SACS (sacsin molecular chaperone; minus strand). Cytogenetic location: 13q12.12.
Variant type: single nucleotide variant.
Coding change: c.11517C>G on transcript NM_014363.6 (MANE Select); coding-DNA position 11517, C replaced by G.
Protein change: p.Phe3839Leu; replaces phenylalanine 3839 with leucine.
Molecular consequence: missense variant.
Genome position (GRCh38, 1-based): chr13:23,332,359, G>C on the plus strand (C>G on the coding strand, the complement: SACS is on the minus strand). VCF-style: chr13-23332359-G-C. GRCh37 (hg19) VCF-style: chr13-23906498-G-C.
Other names: c.11076C>G, p.Phe3692Leu (NM_001278055.2); short protein forms F3692L, F3839L.
Identifiers: ClinVar variation 2166504 (VCV002166504.1), dbSNP rs1883534716, ClinGen allele CA387509807.